The following is an entry in ClinVar:

NM_001042492.3(NF1):c.3205G>A (p.Asp1069Asn)

Gene: NF1 (neurofibromin 1; plus strand). Cytogenetic location: 17q11.2.
Variant type: single nucleotide variant.
Coding change: c.3205G>A on transcript NM_001042492.3 (MANE Select); coding-DNA position 3205, G replaced by A.
Protein change: p.Asp1069Asn; replaces aspartic acid 1069 with asparagine.
Molecular consequence: missense variant.
Genome position (GRCh38, 1-based): chr17:31,232,080, G>A. VCF-style: chr17-31232080-G-A. GRCh37 (hg19) VCF-style: chr17-29559098-G-A.
Other names: c.3205G>A, p.Asp1069Asn (NM_000267.4); short protein forms D1069N.
Identifiers: ClinVar variation 3634527 (VCV003634527.2).

ClinVar aggregate classification (germline): Uncertain significance (1 of 4 stars; one submission).

Conditions:
Neurofibromatosis, type 1 (NF1). Also called: VON RECKLINGHAUSEN DISEASE; Peripheral type neurofibromatosis; NEUROFIBROMATOSIS, TYPE I, SOMATIC; Neurofibromatosis, type I. Identifiers: Orphanet 636, MedGen C0027831, MONDO:0018975, OMIM 162200. Disease mechanism: loss of function.

Submission:

Labcorp Genetics (formerly Invitae), Labcorp
Classification: Uncertain significance for Neurofibromatosis, type 1. Last evaluated: 2024-09-23. Review status: criteria provided, single submitter. Criteria: Invitae Variant Classification Sherloc (09022015). Collection method: clinical testing. Allele origin: germline.
Comment: This sequence change replaces aspartic acid, which is acidic and polar, with asparagine, which is neutral and polar, at codon 1069 of the NF1 protein (p.Asp1069Asn). This variant is not present in population databases (gnomAD no frequency). This variant has not been reported in the literature in individuals affected with NF1-related conditions. Invitae Evidence Modeling of protein sequence and biophysical properties (such as structural, functional, and spatial information, amino acid conservation, physicochemical variation, residue mobility, and thermodynamic stability) has been performed for this missense variant. However, the output from this modeling did not meet the statistical confidence thresholds required to predict the impact of this variant on NF1 protein function. In summary, the available evidence is currently insufficient to determine the role of this variant in disease. Therefore, it has been classified as a Variant of Uncertain Significance.